The following is an entry in ClinVar:

NM_201596.3(CACNB2):c.1690G>C (p.Asp564His)

Gene: CACNB2 (calcium voltage-gated channel auxiliary subunit beta 2; plus strand). Cytogenetic location: 10p12.31.
Variant type: single nucleotide variant.
Coding change: c.1690G>C on transcript NM_201596.3 (MANE Select); coding-DNA position 1690, G replaced by C.
Protein change: p.Asp564His; replaces aspartic acid 564 with histidine.
Molecular consequence: missense variant.
Genome position (GRCh38, 1-based): chr10:18,539,431, G>C. VCF-style: chr10-18539431-G-C. GRCh37 (hg19) VCF-style: chr10-18828360-G-C.
Other names: c.1525G>C, p.Asp509His (NM_000724.4); c.1492G>C, p.Asp498His (NM_001167945.2); c.1411G>C, p.Asp471His (NM_001330060.2); c.1432G>C, p.Asp478His (NM_001410882.1); c.1546G>C, p.Asp516His (NM_201570.3); c.1606G>C, p.Asp536His (NM_201571.4); c.1534G>C, p.Asp512His (NM_201572.4); c.1528G>C, p.Asp510His (NM_201590.3); and 2 more; short protein forms D498H, D512H, D471H, D564H, D478H, D509H, D510H, D516H.
Identifiers: ClinVar variation 1774558 (VCV001774558.2), dbSNP rs2494913933, ClinGen allele CA376071757.

ClinVar aggregate classification (germline): Uncertain significance (1 of 4 stars; one submission).

Conditions:
Cardiovascular phenotype. Identifiers: MedGen CN230736.

Submission:

Ambry Genetics
Classification: Uncertain significance for Cardiovascular phenotype. Last evaluated: 2019-03-08. Review status: criteria provided, single submitter. Criteria: Ambry Variant Classification Scheme 2023. Collection method: clinical testing. Allele origin: germline.
Comment: The p.D510H variant (also known as c.1528G>C), located in coding exon 13 of the CACNB2 gene, results from a G to C substitution at nucleotide position 1528. The aspartic acid at codon 510 is replaced by histidine, an amino acid with similar properties. This amino acid position is highly conserved in available vertebrate species. In addition, this alteration is predicted to be deleterious by in silico analysis. Since supporting evidence is limited at this time, the clinical significance of this alteration remains unclear.